The following is an entry in ClinVar:

ClinVar aggregate classification (germline): Uncertain significance (1 of 4 stars; one submission).

Conditions:
Muscular dystrophy-dystroglycanopathy (congenital with brain and eye anomalies), type A, 7. Also called: WALKER-WARBURG SYNDROME OR MUSCLE-EYE-BRAIN DISEASE, ISPD-RELATED; Congenital muscular dystrophy-dystroglycanopathy with brain and eye anomalies, type A7. Identifiers: Orphanet 899, MedGen C3553330, MONDO:0013835, OMIM 614643.
Autosomal recessive limb-girdle muscular dystrophy type 2U. Also called: MUSCULAR DYSTROPHY, LIMB-GIRDLE, TYPE 2U; Muscular dystrophy-dystroglycanopathy (limb-girdle), type c, 7. Identifiers: Orphanet 352479, MedGen C5190987, MONDO:0014474, OMIM 616052.

Allele frequency attached by ClinVar (database versions not stated): gnomAD 0.00001; gnomAD exomes 0.00001; TOPMed 0.00002.
gnomAD v4.1: 16 of 1,613,820 alleles (0.00099%); highest among the groups gnomAD compares: Middle Eastern, 0.016%; no homozygotes.

Submission:

Labcorp Genetics (formerly Invitae), Labcorp
Classification: Uncertain significance for Muscular dystrophy-dystroglycanopathy (congenital with brain and eye anomalies), type A, 7; Autosomal recessive limb-girdle muscular dystrophy type 2U. Last evaluated: 2022-05-09. Review status: criteria provided, single submitter. Criteria: Invitae Variant Classification Sherloc (09022015). Collection method: clinical testing. Allele origin: germline.
Comment: This sequence change replaces histidine, which is basic and polar, with tyrosine, which is neutral and polar, at codon 155 of the ISPD protein (p.His155Tyr). This variant is present in population databases (no rsID available, gnomAD 0.002%). This variant has not been reported in the literature in individuals affected with ISPD-related conditions. Algorithms developed to predict the effect of missense changes on protein structure and function (SIFT, PolyPhen-2, Align-GVGD) all suggest that this variant is likely to be disruptive. In summary, the available evidence is currently insufficient to determine the role of this variant in disease. Therefore, it has been classified as a Variant of Uncertain Significance.

NM_001101426.4(CRPPA):c.463C>T (p.His155Tyr)

Gene: CRPPA (CDP-L-ribitol pyrophosphorylase A; minus strand). Cytogenetic location: 7p21.2.
Variant type: single nucleotide variant.
Coding change: c.463C>T on transcript NM_001101426.4 (MANE Select); coding-DNA position 463, C replaced by T.
Protein change: p.His155Tyr; replaces histidine 155 with tyrosine.
Molecular consequence: missense variant. On other transcripts: non-coding transcript variant (1).
Genome position (GRCh38, 1-based): chr7:16,406,132, G>A on the plus strand (C>T on the coding strand, the complement: CRPPA is on the minus strand). VCF-style: chr7-16406132-G-A. GRCh37 (hg19) VCF-style: chr7-16445757-G-A.
Other names: c.463C>T, p.His155Tyr (NM_001101417.4, NM_001368197.1); short protein forms H155Y.
Identifiers: ClinVar variation 2057052 (VCV002057052.4), dbSNP rs889369918, ClinGen allele CA154765080.
Genomic context (GRCh38, chr7:16,406,132, plus strand): 5'-TAGCAGCTGTGACAACTTTAAGAAGGACACCTTCCTCAACAAATGGTCTCACAGCATCAT[G>A]GATAATCACTACTTCTGGCTTAGAGAGTTTAGAGTTGATCTGATCTTCTGCCAGTGCTTT-3'
Protein context (NP_001094896.1, residues 145-165): KLSKPEVVII[His155Tyr]DAVRPFVEEG